The following is an entry in ClinVar:

ClinVar aggregate classification (germline): Likely pathogenic (1 of 4 stars; one submission).

Conditions:
Mucopolysaccharidosis type 1. Also called: IDUA deficiency; MPS I; Mucopolysaccharidosis Type I. Identifiers: Orphanet 579, MedGen C0023786, MONDO:0001586.

Submission:

Natera, Inc.
Classification: Likely pathogenic for Mucopolysaccharidosis type I. Last evaluated: 2024-10-29. Review status: criteria provided, single submitter. Criteria: Natera Variant Classification Schema (03/2026). Collection method: clinical testing. Allele origin: germline.
Comment: The c.578del variant in IDUA is a frameshift variant predicted to shift the reading frame beginning at codon 193 and leads to a stop codon 7 codons downstream. This variant is expected to result in nonsense mediated decay, truncation, or a dysfunctional protein product. This variant is rare in the general population with a frequency below the threshold expected for the associated phenotype(s). Given the available evidence, this variant is classified as Likely Pathogenic.

NM_000203.5(IDUA):c.578del (p.Met193fs)

Gene: IDUA (alpha-L-iduronidase; plus strand). Cytogenetic location: 4p16.3.
Variant type: Deletion.
Coding change: c.578del on transcript NM_000203.5 (MANE Select); coding-DNA position 578, one base deleted (T; older notation c.578delT).
Protein change: p.Met193fs; shifts the reading frame from methionine 193.
Molecular consequence: frameshift variant. On other transcripts: non-coding transcript variant (1).
Genome position (GRCh38, 1-based): chr4:1,001,552, T deleted. VCF-style (leftmost placement, unchanged base first): chr4-1001551-AT-A. GRCh37 (hg19) VCF-style: chr4-995339-AT-A.
Other names: c.182del, p.Met61fs (NM_001363576.1); short protein forms M193fs, M61fs.
Identifiers: ClinVar variation 4817933 (VCV004817933.1).